The following is an entry in ClinVar:

NM_015910.7(WDPCP):c.933G>C (p.Glu311Asp)

Gene: WDPCP (WD repeat containing planar cell polarity effector; minus strand). Cytogenetic location: 2p15.
Variant type: single nucleotide variant.
Coding change: c.933G>C on transcript NM_015910.7 (MANE Select); coding-DNA position 933, G replaced by C.
Protein change: p.Glu311Asp; replaces glutamic acid 311 with aspartic acid.
Molecular consequence: missense variant. On other transcripts: non-coding transcript variant (3).
Genome position (GRCh38, 1-based): chr2:63,404,550, C>G on the plus strand (G>C on the coding strand, the complement: WDPCP is on the minus strand). VCF-style: chr2-63404550-C-G. GRCh37 (hg19) VCF-style: chr2-63631685-C-G.
Other names: c.456G>C, p.Glu152Asp (NM_001042692.3); c.861G>C, p.Glu287Asp (NM_001354044.2); c.933G>C, p.Glu311Asp (NM_001354045.2); short protein forms E152D, E287D, E311D.
Identifiers: ClinVar variation 4634640 (VCV004634640.2).

ClinVar aggregate classification (germline): Uncertain significance. Review status: criteria provided, multiple submitters, no conflicts (2 of 4 stars). 2 submissions from 2 submitters: Uncertain significance (2). Last evaluated 2025-12-04.

Conditions:
Inborn genetic diseases. Identifiers: MedGen C0950123, MeSH D030342.
WDPCP-related disorder. Also called: WDPCP-related condition.

gnomAD v4.1: 11 of 1,613,456 alleles (0.00068%); highest among the groups gnomAD compares: Non-Finnish European, 0.00093%; no homozygotes.

Submissions (2):

PreventionGenetics, part of Exact Sciences
Classification: Uncertain significance for WDPCP-related condition. Last evaluated: 2025-12-04. Review status: criteria provided, single submitter. Criteria: ACMG Guidelines, 2015. Collection method: clinical testing. Allele origin: germline.
Comment: The WDPCP c.933G>C variant is predicted to result in the amino acid substitution p.Glu311Asp. To our knowledge, this variant has not been reported in the literature. This variant is reported in 0.00089% of alleles in individuals of European (Non-Finnish) descent in gnomAD. At this time, the clinical significance of this variant is uncertain due to the absence of conclusive functional and genetic evidence.

Ambry Genetics
Classification: Uncertain significance for Inborn genetic diseases. Last evaluated: 2025-11-20. Review status: criteria provided, single submitter. Criteria: Ambry Variant Classification Scheme 2023. Collection method: clinical testing. Allele origin: germline.